The following is an entry in ClinVar:

NM_007294.4(BRCA1):c.5442C>A (p.Ala1814=)

Gene: BRCA1 (BRCA1 DNA repair associated; minus strand). Cytogenetic location: 17q21.31.
Variant type: single nucleotide variant.
Coding change: c.5442C>A on transcript NM_007294.4 (MANE Select); coding-DNA position 5442, C replaced by A.
Protein change: p.Ala1814=; no amino-acid change (alanine 1814 retained).
Molecular consequence: synonymous variant. On other transcripts: missense variant (17).
Genome position (GRCh38, 1-based): chr17:43,047,668, G>T on the plus strand (C>A on the coding strand, the complement: BRCA1 is on the minus strand). VCF-style: chr17-43047668-G-T. GRCh37 (hg19) VCF-style: chr17-41199685-G-T.
Other names: c.2127C>A, p.Ala709= (NM_001408398.1, NM_001408399.1, NM_001408400.1 and 7 more transcripts); c.2124C>A, p.Ala708= (NM_001408406.1, NM_001408407.1, NM_001408408.1); c.2121C>A, p.Ala707= (NM_001408409.1); c.2058C>A, p.Ala686= (NM_001408410.1); c.2055C>A, p.Ala685= (NM_001408411.1); c.2052C>A, p.Ala684= (NM_001408412.1, NM_001408413.1, NM_001408414.1 and 2 more transcripts); c.2016C>A, p.Ala672= (NM_001408418.1, NM_001408419.1, NM_001408420.1); c.2013C>A, p.Ala671= (NM_001408421.1, NM_001408422.1, NM_001408423.1 and 1 more transcripts); and 83 more; short protein forms L686M, L1749M, L1747M, L1748M, L1788M, L1743M, L1789M, L1790M.
Identifiers: ClinVar variation 865521 (VCV000865521.3), dbSNP rs2050983965, ClinGen allele CA10590528.

Conditions:
Breast-ovarian cancer, familial, susceptibility to, 1 (BROVCA1). Also called: BRCA1 Hereditary Breast and Ovarian Cancer; OVARIAN CANCER, SUSCEPTIBILITY TO. Identifiers: Orphanet 145, MedGen C2676676, MONDO:0011450, OMIM 604370. Disease mechanism: loss of function.

Submission:

Brotman Baty Institute, University of Washington
No classification provided (evidence only). Condition: Breast-ovarian cancer, familial 1. Review status: no classification provided. Collection method: in vitro. Allele origin: not applicable. Functional consequence: functionally_normal.
ClinVar note: "not provided" was previously submitted as the classification for the variant. However, the classification appeared to be based only on an observation of functional data so it was converted to no classification on 2025-07-30.